The following is an entry in ClinVar:

ClinVar aggregate classification (germline): Uncertain significance. Review status: criteria provided, multiple submitters, no conflicts (2 of 4 stars). 2 submissions from 2 submitters: Uncertain significance (2). Last evaluated 2024-08-20.

Conditions:
Severe combined immunodeficiency due to DNA-PKcs deficiency. Also called: IMMUNODEFICIENCY 26 WITH NEUROLOGIC ABNORMALITIES; Immunodeficiency 26 with or without neurologic abnormalities. Identifiers: Orphanet 317425, MedGen C4014833, MONDO:0014423, OMIM 615966.

Allele frequency attached by ClinVar (database versions not stated): ExAC 0.00001; gnomAD 0.00002; TOPMed 0.00002.
gnomAD v4.1: 6 of 1,612,512 alleles (0.00037%); highest among the groups gnomAD compares: Admixed American, 0.0033%; no homozygotes.

Submissions (2):

Ambry Genetics
Classification: Uncertain significance. Last evaluated: 2024-08-20. Review status: criteria provided, single submitter. Criteria: Ambry Variant Classification Scheme 2023. Collection method: clinical testing. Allele origin: germline.

Labcorp Genetics (formerly Invitae), Labcorp
Classification: Uncertain significance for Severe combined immunodeficiency due to DNA-PKcs deficiency. Last evaluated: 2022-02-08. Review status: criteria provided, single submitter. Criteria: Invitae Variant Classification Sherloc (09022015). Collection method: clinical testing. Allele origin: germline.
Comment: In summary, the available evidence is currently insufficient to determine the role of this variant in disease. Therefore, it has been classified as a Variant of Uncertain Significance. Experimental studies and prediction algorithms are not available or were not evaluated, and the functional significance of this variant is currently unknown. This variant has not been reported in the literature in individuals affected with PRKDC-related conditions. This variant is present in population databases (rs755082882, gnomAD 0.0009%). This sequence change replaces glycine, which is neutral and non-polar, with serine, which is neutral and polar, at codon 1599 of the PRKDC protein (p.Gly1599Ser).

NM_006904.7(PRKDC):c.4795G>A (p.Gly1599Ser)

Gene: PRKDC (protein kinase, DNA-activated, catalytic subunit; minus strand). Cytogenetic location: 8q11.21.
Variant type: single nucleotide variant.
Coding change: c.4795G>A on transcript NM_006904.7 (MANE Select); coding-DNA position 4795, G replaced by A.
Protein change: p.Gly1599Ser; replaces glycine 1599 with serine.
Molecular consequence: missense variant.
Genome position (GRCh38, 1-based): chr8:47,882,079, C>T on the plus strand (G>A on the coding strand, the complement: PRKDC is on the minus strand). VCF-style: chr8-47882079-C-T. GRCh37 (hg19) VCF-style: chr8-48794640-C-T.
Other names: c.4795G>A, p.Gly1599Ser (NM_001081640.2); short protein forms G1599S.
Identifiers: ClinVar variation 1743127 (VCV001743127.8), dbSNP rs755082882, ClinGen allele CA4740788.
Genomic context (GRCh38, chr8:47,882,079, plus strand): 5'-CAAGTTTCAGTCCTTGGTGTTTCTGGTTTGCTCGCTCCCTGAAGCTCTGGTCTAACATGC[C>T]GTTCAAAACGGCACTCACCTGAGACAATTTCGTTGTGAGTGAAGAAAAATTCTTAATTTT-3'
Protein context (NP_008835.5, residues 1589-1609): NTKMVSAVLN[Gly1599Ser]MLDQSFRERA